The following is an entry in ClinVar:

NM_004863.4(SPTLC2):c.649G>T (p.Glu217Ter)

Gene: SPTLC2 (serine palmitoyltransferase long chain base subunit 2; minus strand). Cytogenetic location: 14q24.3.
Variant type: single nucleotide variant.
Coding change: c.649G>T on transcript NM_004863.4 (MANE Select); coding-DNA position 649, G replaced by T.
Protein change: p.Glu217Ter; replaces glutamic acid 217 with a stop codon.
Molecular consequence: nonsense.
Genome position (GRCh38, 1-based): chr14:77,570,491, C>A on the plus strand (G>T on the coding strand, the complement: SPTLC2 is on the minus strand). VCF-style: chr14-77570491-C-A. GRCh37 (hg19) VCF-style: chr14-78036834-C-A.
Other names: short protein forms E217*.
Identifiers: ClinVar variation 450969 (VCV000450969.3), dbSNP rs1555376153, ClinGen allele CA390712940.

ClinVar aggregate classification (germline): Uncertain significance (1 of 4 stars; one submission).

Conditions:
Neuropathy, hereditary sensory and autonomic, type 1C. Also called: HSAN IC; HSN IC. Identifiers: Orphanet 36386, MedGen C3150896, MONDO:0013337, OMIM 613640.

Allele frequency attached by ClinVar (database versions not stated): gnomAD exomes below 0.00001.
gnomAD v4.1: 1 of 1,613,934 alleles (0.000062%); highest among the groups gnomAD compares: Non-Finnish European, 0.000085%; no homozygotes.

Submission:

GeneDx
Classification: Uncertain significance. Last evaluated: 2017-08-01. Review status: criteria provided, single submitter. Criteria: GeneDx Variant Classification (06012015). Collection method: clinical testing. Allele origin: germline. Affected: yes.
Comment: The E217X variant in the SPTLC2 gene has not been reported previously as a pathogenic variant nor as a benign variant, to our knowledge. This variant is predicted to cause loss of normal protein function either through protein truncation or nonsense-mediated mRNA decay; however, loss-of-function has not been established as a mechanism of disease for the SPTLC2 gene. The E217X variant is not observed in large population cohorts (Lek et al., 2016; 1000 Genomes Consortium et al., 2015; Exome Variant Server). We interpret E217X as a variant of uncertain significance.